The following is an entry in ClinVar:

ClinVar aggregate classification (germline): Uncertain significance (1 of 4 stars; one submission).

Submission:

Women's Health and Genetics/Laboratory Corporation of America, LabCorp
Classification: Uncertain significance. Last evaluated: 2026-04-14. Review status: criteria provided, single submitter. Criteria: LabCorp Variant Classification Summary - May 2015. Collection method: clinical testing. Allele origin: germline.
Comment: Variant summary: ATP1A3 c.*154C>G is located in the untranslated mRNA region downstream of the termination codon. The variant was absent in 138672 control chromosomes. The available data on variant occurrences in the general population are insufficient to allow any conclusion about variant significance. To our knowledge, no occurrence of c.*154C>G in individuals affected with ATP1A3-related conditions and no experimental evidence demonstrating its impact on protein function have been reported. No submitters have cited clinical-significance assessments for this variant to ClinVar. Based on the evidence outlined above, the variant was classified as uncertain significance.

NM_152296.5(ATP1A3):c.*154C>G

Gene: ATP1A3 (ATPase Na+/K+ transporting subunit alpha 3; minus strand). Cytogenetic location: 19q13.2.
Variant type: single nucleotide variant.
Coding change: c.*154C>G on transcript NM_152296.5 (MANE Select); 154 bases downstream of the stop codon, C replaced by G.
Molecular consequence: 3 prime UTR variant.
Genome position (GRCh38, 1-based): chr19:41,966,783, G>C on the plus strand (C>G on the coding strand, the complement: ATP1A3 is on the minus strand). VCF-style: chr19-41966783-G-C. GRCh37 (hg19) VCF-style: chr19-42470935-G-C.
Other names: c.*154C>G (NM_001256213.2, NM_001256214.2).
Identifiers: ClinVar variation 4848609 (VCV004848609.1).
Genomic context (GRCh38, chr19:41,966,783, plus strand): 5'-ACTGACACAGAAAAGAGAGAGGAGAGAGGTTTGGGGCAGGGGAGAGAAGCCAGCCAGAGT[G>C]GGGGCGGCAGGAGATAGTGGAGGGGGTGGGGGCCAAGGTGGGGCCACAGGAAGAGAGGGC-3'